The following is an entry in ClinVar:

NM_001330078.2(NRXN1):c.2681A>G (p.Asn894Ser)

Gene: NRXN1 (neurexin 1; minus strand). Cytogenetic location: 2p16.3.
Variant type: single nucleotide variant.
Coding change: c.2681A>G on transcript NM_001330078.2 (MANE Select); coding-DNA position 2681, A replaced by G.
Protein change: p.Asn894Ser; replaces asparagine 894 with serine.
Molecular consequence: missense variant.
Genome position (GRCh38, 1-based): chr2:50,497,531, T>C on the plus strand (A>G on the coding strand, the complement: NRXN1 is on the minus strand). VCF-style: chr2-50497531-T-C. GRCh37 (hg19) VCF-style: chr2-50724669-T-C.
Other names: c.2801A>G, p.Asn934Ser (NM_001135659.3); c.2657A>G, p.Asn886Ser (NM_001330077.2, NM_001330082.2); c.2615A>G, p.Asn872Ser (NM_001330083.2, NM_001330084.2); c.2654A>G, p.Asn885Ser (NM_001330085.2); c.2681A>G, p.Asn894Ser (NM_001330086.2, NM_004801.6); c.2570A>G, p.Asn857Ser (NM_001330087.2, NM_001330096.2); c.2600A>G, p.Asn867Ser (NM_001330088.2); c.2678A>G, p.Asn893Ser (NM_001330093.2); and 2 more; short protein forms N885S, N857S, N877S, N890S, N934S, N867S, N886S, N893S.
Identifiers: ClinVar variation 2180315 (VCV002180315.4), dbSNP rs1218599719, ClinGen allele CA346777107.

ClinVar aggregate classification (germline): Uncertain significance (1 of 4 stars; one submission).

Conditions:
Pitt-Hopkins-like syndrome 2 (PTHSL2). Identifiers: Orphanet 221150, Orphanet 600663, MedGen C3280479, MONDO:0013690, OMIM 614325.

Allele frequency attached by ClinVar (database versions not stated): TOPMed below 0.00001; gnomAD 0.00001.
gnomAD v4.1: 2 of 1,613,810 alleles (0.00012%); highest among the groups gnomAD compares: Non-Finnish European, 0.00017%; no homozygotes.

Submission:

Labcorp Genetics (formerly Invitae), Labcorp
Classification: Uncertain significance for Pitt-Hopkins-like syndrome 2. Last evaluated: 2021-12-30. Review status: criteria provided, single submitter. Criteria: Invitae Variant Classification Sherloc (09022015). Collection method: clinical testing. Allele origin: germline.
Comment: This sequence change replaces asparagine, which is neutral and polar, with serine, which is neutral and polar, at codon 934 of the NRXN1 protein (p.Asn934Ser). This variant is not present in population databases (gnomAD no frequency). This variant has not been reported in the literature in individuals affected with NRXN1-related conditions. Algorithms developed to predict the effect of missense changes on protein structure and function (SIFT, PolyPhen-2, Align-GVGD) all suggest that this variant is likely to be tolerated. In summary, the available evidence is currently insufficient to determine the role of this variant in disease. Therefore, it has been classified as a Variant of Uncertain Significance.